The following is an entry in ClinVar:

ClinVar aggregate classification (germline): Pathogenic (0 of 4 stars; one submission).

Submission:

GenMed Metabolism Lab
Classification: Pathogenic. Review status: no assertion criteria provided. Collection method: not provided. Allele origin: unknown.
Comment: p.Trp332Arg, Neonatal
ClinVar note: Converted during submission from pathogenic to Pathogenic.

NM_000531.6(OTC):c.994T>A (p.Trp332Arg)

Gene: OTC (ornithine transcarbamylase; plus strand). Cytogenetic location: Xp11.4.
Variant type: single nucleotide variant.
Coding change: c.994T>A on transcript NM_000531.6 (MANE Select); coding-DNA position 994, T replaced by A.
Protein change: p.Trp332Arg; replaces tryptophan 332 with arginine.
Molecular consequence: missense variant.
Genome position (GRCh38, 1-based): chrX:38,411,988, T>A. VCF-style: chrX-38411988-T-A. GRCh37 (hg19) VCF-style: chrX-38271241-T-A.
Other names: short protein forms W332R.
Identifiers: ClinVar variation 97378 (VCV000097378.2), dbSNP rs72558480, ClinGen allele CA224867.